The following is an entry in ClinVar:

ClinVar aggregate classification (germline): Uncertain significance (1 of 4 stars; one submission).

Conditions:
Inborn genetic diseases. Identifiers: MedGen C0950123, MeSH D030342.

Submission:

Ambry Genetics
Classification: Uncertain significance for Inborn genetic diseases. Last evaluated: 2019-04-15. Review status: criteria provided, single submitter. Criteria: Ambry Variant Classification Scheme 2023. Collection method: clinical testing. Allele origin: germline.
Comment: The p.C185R variant (also known as c.553T>C), located in coding exon 2 of the ATP7A gene, results from a T to C substitution at nucleotide position 553. The cysteine at codon 185 is replaced by arginine, an amino acid with highly dissimilar properties. This amino acid position is highly conserved in available vertebrate species. In addition, this alteration is predicted to be deleterious by in silico analysis. Since supporting evidence is limited at this time, the clinical significance of this alteration remains unclear.

NM_000052.7(ATP7A):c.553T>C (p.Cys185Arg)

Gene: ATP7A (ATPase copper transporting alpha; plus strand). Cytogenetic location: Xq21.1.
Variant type: single nucleotide variant.
Coding change: c.553T>C on transcript NM_000052.7 (MANE Select); coding-DNA position 553, T replaced by C.
Protein change: p.Cys185Arg; replaces cysteine 185 with arginine.
Molecular consequence: missense variant.
Genome position (GRCh38, 1-based): chrX:77,988,674, T>C. VCF-style: chrX-77988674-T-C. GRCh37 (hg19) VCF-style: chrX-77244170-T-C.
Other names: c.553T>C, p.Cys185Arg (NM_001282224.2); short protein forms C185R.
Identifiers: ClinVar variation 1748195 (VCV001748195.2), dbSNP rs782791423, ClinGen allele CA413600271.